The following is an entry in ClinVar:

ClinVar aggregate classification (germline): Likely benign. Review status: criteria provided, multiple submitters, no conflicts (2 of 4 stars). 2 submissions from 2 submitters: Likely benign (2). Last evaluated 2026-06-16.

Conditions:
PKD1L1-related disorder. Also called: PKD1L1-related condition.

Submissions (2):

PreventionGenetics, part of Exact Sciences
Classification: Likely benign for PKD1L1-related condition. Last evaluated: 2026-06-16. Review status: criteria provided, single submitter. Criteria: ACMG Guidelines, 2015. Collection method: clinical testing. Allele origin: germline.
Comment: This variant is classified as likely benign based on ACMG/AMP sequence variant interpretation guidelines (Richards et al. 2015 PMID: 25741868, with internal and published modifications).

Labcorp Genetics (formerly Invitae), Labcorp
Classification: Likely benign. Last evaluated: 2025-05-30. Review status: criteria provided, single submitter. Criteria: Invitae Variant Classification Sherloc (09022015). Collection method: clinical testing. Allele origin: germline.

NM_138295.5(PKD1L1):c.6225G>A (p.Ala2075=)

Gene: PKD1L1 (polycystin 1 like 1, transient receptor potential channel interacting; minus strand). Cytogenetic location: 7p12.3.
Variant type: single nucleotide variant.
Coding change: c.6225G>A on transcript NM_138295.5 (MANE Select); coding-DNA position 6225, G replaced by A.
Protein change: p.Ala2075=; no amino-acid change (alanine 2075 retained).
Molecular consequence: synonymous variant.
Genome position (GRCh38, 1-based): chr7:47,833,202, C>T on the plus strand (G>A on the coding strand, the complement: PKD1L1 is on the minus strand). VCF-style: chr7-47833202-C-T. GRCh37 (hg19) VCF-style: chr7-47872800-C-T.
Other names: c.6225G>A (NM_138295.3).
Identifiers: ClinVar variation 4751891 (VCV004751891.2).